The following is an entry in ClinVar:

NM_138576.4(BCL11B):c.2641T>G (p.Leu881Val)

Gene: BCL11B (BCL11 transcription factor B; minus strand). Cytogenetic location: 14q32.2.
Variant type: single nucleotide variant.
Coding change: c.2641T>G on transcript NM_138576.4 (MANE Select); coding-DNA position 2641, T replaced by G.
Protein change: p.Leu881Val; replaces leucine 881 with valine.
Molecular consequence: missense variant.
Genome position (GRCh38, 1-based): chr14:99,174,195, A>C on the plus strand (T>G on the coding strand, the complement: BCL11B is on the minus strand). VCF-style: chr14-99174195-A-C. GRCh37 (hg19) VCF-style: chr14-99640532-A-C.
Other names: c.2638T>G, p.Leu880Val (NM_001282237.2); c.2425T>G, p.Leu809Val (NM_001282238.2); c.2428T>G, p.Leu810Val (NM_022898.3); short protein forms L809V, L810V, L880V, L881V.
Identifiers: ClinVar variation 1720422 (VCV001720422.5), dbSNP rs2503635290, ClinGen allele CA390932737.
Genomic context (GRCh38, chr14:99,174,195, plus strand): 5'-GCCGGGGCCCGCGCGCTTAGCTCCTCTCGGCCTGCTCGATTTTGACGTCGTTAGTCAGCA[A>C]GTGCTCGCCGTGCCACTTTTTCATGTGTTTCTCCAGGGTGCTGTAGACGCTGAAGGGCAT-3'
Protein context (NP_612808.1, residues 871-891): KHMKKWHGEH[Leu881Val]LTNDVKIEQA

ClinVar aggregate classification (germline): Uncertain significance (1 of 4 stars; one submission).

Submission:

Labcorp Genetics (formerly Invitae), Labcorp
Classification: Uncertain significance. Last evaluated: 2022-09-26. Review status: criteria provided, single submitter. Criteria: Invitae Variant Classification Sherloc (09022015). Collection method: clinical testing. Allele origin: germline.
Comment: Algorithms developed to predict the effect of missense changes on protein structure and function are either unavailable or do not agree on the potential impact of this missense change (SIFT: "Deleterious"; PolyPhen-2: "Benign"; Align-GVGD: "Class C0"). In summary, the available evidence is currently insufficient to determine the role of this variant in disease. Therefore, it has been classified as a Variant of Uncertain Significance. This variant has not been reported in the literature in individuals affected with BCL11B-related conditions. This sequence change replaces leucine, which is neutral and non-polar, with valine, which is neutral and non-polar, at codon 881 of the BCL11B protein (p.Leu881Val). This variant is not present in population databases (gnomAD no frequency).